The following is an entry in ClinVar:

NM_001458.5(FLNC):c.3092C>T (p.Pro1031Leu)

Gene: FLNC (filamin C; plus strand). Cytogenetic location: 7q32.1.
Variant type: single nucleotide variant.
Coding change: c.3092C>T on transcript NM_001458.5 (MANE Select); coding-DNA position 3092, C replaced by T.
Protein change: p.Pro1031Leu; replaces proline 1031 with leucine.
Molecular consequence: missense variant.
Genome position (GRCh38, 1-based): chr7:128,844,166, C>T. VCF-style: chr7-128844166-C-T. GRCh37 (hg19) VCF-style: chr7-128484220-C-T.
Other names: c.3092C>T, p.Pro1031Leu (NM_001127487.2); short protein forms P1031L.
Identifiers: ClinVar variation 640784 (VCV000640784.15), dbSNP rs372467579, ClinGen allele CA4474952.

ClinVar aggregate classification (germline): Conflicting classifications of pathogenicity. Review status: criteria provided, conflicting classifications (1 of 4 stars). 6 submissions from 6 submitters: Uncertain significance (4); Likely benign (2). Last evaluated 2026-08-14.

Conditions:
Distal myopathy with posterior leg and anterior hand involvement. Also called: WILLIAMS DISTAL MYOPATHY. Identifiers: Orphanet 63273, MedGen C3279722, MONDO:0013550, OMIM 614065.
Myofibrillar myopathy 5. Also called: Filaminopathy (type); FILAMINOPATHY, AUTOSOMAL DOMINANT. Identifiers: Orphanet 171445, MedGen C1836050, MONDO:0012289, OMIM 609524.
Hypertrophic cardiomyopathy 26. Also called: Cardiomyopathy, familial hypertrophic, 26. Identifiers: Orphanet 75249, MedGen C4310749, MONDO:0014883, OMIM 617047.
FLNC-related disorder. Also called: FLNC-related condition; FLNC-related disorders.
Cardiovascular phenotype. Identifiers: MedGen CN230736.

Allele frequency attached by ClinVar (database versions not stated): TOPMed 0.00006.
gnomAD v4.1: 129 of 1,613,758 alleles (0.008%); highest among the groups gnomAD compares: Middle Eastern, 0.016%; no homozygotes.

Submissions (6):

PreventionGenetics, part of Exact Sciences
Classification: Uncertain significance for FLNC-related condition. Last evaluated: 2026-08-14. Review status: criteria provided, single submitter. Criteria: ACMG Guidelines, 2015. Collection method: clinical testing. Allele origin: germline.
Comment: The FLNC c.3092C>T variant is predicted to result in the amino acid substitution p.Pro1031Leu. This variant has been reported in an individual with hypertrophic cardiomyopathy, as well as in related individuals that were unaffected at the time the study was conducted (Gómez et al. 2017. PubMed ID: 28356264). This variant is reported in 0.050% of alleles in individuals of Ashkenazi Jewish descent in gnomAD. Although we suspect that this variant may be benign, at this time, the clinical significance of this variant is uncertain due to the absence of conclusive functional and genetic evidence.

Women's Health and Genetics/Laboratory Corporation of America, LabCorp
Classification: Likely benign. Last evaluated: 2026-03-11. Review status: criteria provided, single submitter. Criteria: LabCorp Variant Classification Summary - May 2015. Collection method: clinical testing. Allele origin: germline.
Comment: Variant summary: FLNC c.3092C>T (p.Pro1031Leu) results in a non-conservative amino acid change in the encoded protein sequence. Algorithms developed to predict the effect of missense changes on protein structure and function are either unavailable or do not agree on the potential impact of this missense change. The variant allele was found at a frequency of 7.3e-05 in 247790 control chromosomes. The observed variant frequency exceeds the estimated maximal expected allele frequency for disease-causing variants in FLNC. c.3092C>T has been observed in an individual affected with Dilated Cardiomyopathy and an individual affected with Hypertrophic Cardiomyopathy who had three unaffected relatives that also carried the variant (Gomez_2017, Murphy_2024). These reports do not provide unequivocal conclusions about association of the variant with Cardiomyopathy. To our knowledge, no experimental evidence demonstrating an impact on protein function has been reported. The following publications have been ascertained in the context of this evaluation (PMID: 28356264, 38489124). ClinVar contains an entry for this variant (Variation ID: 640784). Based on the evidence outlined above, the variant was classified as likely benign.

Labcorp Genetics (formerly Invitae), Labcorp
Classification: Likely benign for Distal myopathy with posterior leg and anterior hand involvement; Myofibrillar myopathy 5; Hypertrophic cardiomyopathy 26. Last evaluated: 2025-12-02. Review status: criteria provided, single submitter. Criteria: Invitae Variant Classification Sherloc (09022015). Collection method: clinical testing. Allele origin: germline.

Ambry Genetics
Classification: Uncertain significance for Cardiovascular phenotype. Last evaluated: 2025-11-26. Review status: criteria provided, single submitter. Criteria: Ambry Variant Classification Scheme 2023. Collection method: clinical testing. Allele origin: germline.
Comment: The p.P1031L variant (also known as c.3092C>T), located in coding exon 20 of the FLNC gene, results from a C to T substitution at nucleotide position 3092. The proline at codon 1031 is replaced by leucine, an amino acid with similar properties. This variant has been detected in an individual from a hypertrophic cardiomyopathy cohort, and in unaffected relatives (G&oacute;mez J et al. Circ Cardiovasc Genet, 2017 Apr;10). This amino acid position is well conserved in available vertebrate species. In addition, this alteration is predicted to be tolerated by in silico analysis. Since supporting evidence is limited at this time, the clinical significance of this alteration remains unclear.

Revvity Omics, Revvity
Classification: Uncertain significance. Last evaluated: 2025-01-22. Review status: criteria provided, single submitter. Criteria: ACMG Guidelines, 2015. Collection method: clinical testing. Allele origin: germline.

GeneDx
Classification: Uncertain significance. Last evaluated: 2024-07-09. Review status: criteria provided, single submitter. Criteria: GeneDx Variant Classification Process June 2021. Collection method: clinical testing. Allele origin: germline. Affected: yes.
Comment: In silico analysis supports that this missense variant has a deleterious effect on protein structure/function; This variant is associated with the following publications: (PMID: 28356264)

Literature cited by the submitters: PubMed 28356264 (cited by Women's Health and Genetics/Laboratory Corporation of America, LabCorp and Ambry Genetics); PubMed 38489124 (cited by Women's Health and Genetics/Laboratory Corporation of America, LabCorp).